The following is an entry in ClinVar:

NM_000419.5(ITGA2B):c.2011G>A (p.Glu671Lys)

Gene: ITGA2B (integrin subunit alpha 2b; minus strand). Cytogenetic location: 17q21.31.
Variant type: single nucleotide variant.
Coding change: c.2011G>A on transcript NM_000419.5 (MANE Select); coding-DNA position 2011, G replaced by A.
Protein change: p.Glu671Lys; replaces glutamic acid 671 with lysine.
Molecular consequence: missense variant.
Genome position (GRCh38, 1-based): chr17:44,378,445, C>T on the plus strand (G>A on the coding strand, the complement: ITGA2B is on the minus strand). VCF-style: chr17-44378445-C-T. GRCh37 (hg19) VCF-style: chr17-42455813-C-T.
Other names: short protein forms E671K.
Identifiers: ClinVar variation 3530346 (VCV003530346.4).

ClinVar aggregate classification (germline): Conflicting classifications of pathogenicity. Review status: criteria provided, conflicting classifications (1 of 4 stars). 4 submissions from 4 submitters: Uncertain significance (3); Likely benign (1). Last evaluated 2025-09-23.

Conditions:
Glanzmann thrombasthenia 1 (GT1). Also called: BLEEDING DISORDER, PLATELET-TYPE, 2; GP IIb-IIIa COMPLEX DEFICIENCY; GLYCOPROTEIN COMPLEX IIb-IIIa DEFICIENCY; PLATELET FIBRINOGEN RECEPTOR DEFICIENCY. Identifiers: MedGen CN300358, MONDO:0031332, OMIM 273800.
Platelet-type bleeding disorder 16 (BDPLT16). Also called: Bleeding disorder, platelet-type, 16, autosomal dominant. Identifiers: Orphanet 140957, MedGen C5442010, MONDO:0008552, OMIM 187800.
Glanzmann thrombasthenia. Also called: THROMBASTHENIA OF GLANZMANN AND NAEGELI; PLATELET GLYCOPROTEIN IIb-IIIa DEFICIENCY; Thrombasthenia; Glanzmann's thrombasthenia. Identifiers: Orphanet 849, MedGen C0040015, MONDO:0100326.
Inborn genetic diseases. Identifiers: MedGen C0950123, MeSH D030342.

gnomAD v4.1: 71 of 1,613,578 alleles (0.0044%); highest among the groups gnomAD compares: South Asian, 0.037%; no homozygotes.

Submissions (4):

Labcorp Genetics (formerly Invitae), Labcorp
Classification: Uncertain significance for Glanzmann thrombasthenia. Last evaluated: 2025-09-23. Review status: criteria provided, single submitter. Criteria: Invitae Variant Classification Sherloc (09022015). Collection method: clinical testing. Allele origin: germline.
Comment: This sequence change replaces glutamic acid, which is acidic and polar, with lysine, which is basic and polar, at codon 671 of the ITGA2B protein (p.Glu671Lys). This variant is present in population databases (rs139410216, gnomAD 0.02%). This variant has not been reported in the literature in individuals affected with ITGA2B-related conditions. ClinVar contains an entry for this variant (Variation ID: 3530346). An algorithm developed to predict the effect of missense changes on protein structure and function outputs the following: PolyPhen-2: "Benign". The lysine amino acid residue is found in multiple mammalian species, which suggests that this missense change does not adversely affect protein function. In summary, the available evidence is currently insufficient to determine the role of this variant in disease. Therefore, it has been classified as a Variant of Uncertain Significance.

Ambry Genetics
Classification: Uncertain significance for Inborn genetic diseases. Last evaluated: 2024-10-09. Review status: criteria provided, single submitter. Criteria: Ambry Variant Classification Scheme 2023. Collection method: clinical testing. Allele origin: germline.

Blueprint Genetics
Classification: Likely benign. Last evaluated: 2024-10-09. Review status: criteria provided, single submitter. Criteria: ACMG Guidelines, 2015. Collection method: clinical testing. Allele origin: germline.

Department of Pathology and Laboratory Medicine, Sinai Health System
Classification: Uncertain significance for Platelet-type bleeding disorder 16; Glanzmann thrombasthenia 1. Last evaluated: 2022-04-12. Review status: criteria provided, single submitter. Criteria: ACMG Guidelines, 2015. Collection method: research. Allele origin: germline.